The following is an entry in ClinVar:

NM_000059.4(BRCA2):c.7252A>T (p.Arg2418Ter)

Gene: BRCA2 (BRCA2 DNA repair associated; plus strand). Cytogenetic location: 13q13.1.
Variant type: single nucleotide variant.
Coding change: c.7252A>T on transcript NM_000059.4 (MANE Select); coding-DNA position 7252, A replaced by T.
Protein change: p.Arg2418Ter; replaces arginine 2418 with a stop codon.
Molecular consequence: nonsense.
Genome position (GRCh38, 1-based): chr13:32,355,105, A>T. VCF-style: chr13-32355105-A-T. GRCh37 (hg19) VCF-style: chr13-32929242-A-T.
Other names: c.7252A>T (NM_000059.3); short protein forms R2418*.
Identifiers: ClinVar variation 1370345 (VCV001370345.7), dbSNP rs80358953, ClinGen allele CA387740481.

ClinVar aggregate classification (germline): Pathogenic. Review status: criteria provided, multiple submitters, no conflicts (2 of 4 stars). 2 submissions from 2 submitters: Pathogenic (2). Last evaluated 2024-05-24.

Conditions:
Hereditary cancer-predisposing syndrome. Also called: Neoplastic Syndromes, Hereditary; Tumor predisposition; Hereditary neoplastic syndrome; Hereditary Cancer Syndrome. Identifiers: Orphanet 140162, MedGen C0027672, MeSH D009386, MONDO:0015356.
Hereditary breast ovarian cancer syndrome. Also called: BRCA1- and BRCA2-Associated Hereditary Breast and Ovarian Cancer; Hereditary breast and ovarian cancer; Hereditary breast and ovarian cancer syndrome; Hereditary breast and/or ovarian cancer syndrome; Hereditary breast and ovarian cancer syndrome (HBOC); Breast and ovarian cancer. Identifiers: Orphanet 145, MedGen C0677776, MeSH D061325, MONDO:0003582. Disease mechanism: loss of function.

Submissions (2):

Ambry Genetics
Classification: Pathogenic for Hereditary cancer-predisposing syndrome. Last evaluated: 2024-05-24. Review status: criteria provided, single submitter. Criteria: Ambry Variant Classification Scheme 2023. Collection method: clinical testing. Allele origin: germline.
Comment: The p.R2418* pathogenic mutation (also known as c.7252A>T), located in coding exon 13 of the BRCA2 gene, results from an A to T substitution at nucleotide position 7252. This changes the amino acid from an arginine to a stop codon within coding exon 13. This variant is considered to be rare based on population cohorts in the Genome Aggregation Database (gnomAD). This alteration is expected to result in loss of function by premature protein truncation or nonsense-mediated mRNA decay. As such, this alteration is interpreted as a disease-causing mutation.

Labcorp Genetics (formerly Invitae), Labcorp
Classification: Pathogenic for Hereditary breast ovarian cancer syndrome. Last evaluated: 2023-02-21. Review status: criteria provided, single submitter. Criteria: Invitae Variant Classification Sherloc (09022015). Collection method: clinical testing. Allele origin: germline.
Comment: ClinVar contains an entry for this variant (Variation ID: 1370345). For these reasons, this variant has been classified as Pathogenic. This variant has not been reported in the literature in individuals affected with BRCA2-related conditions. This variant is not present in population databases (gnomAD no frequency). This sequence change creates a premature translational stop signal (p.Arg2418*) in the BRCA2 gene. It is expected to result in an absent or disrupted protein product. Loss-of-function variants in BRCA2 are known to be pathogenic (PMID: 20104584).

Literature cited by the submitters: PubMed 20104584 (cited by Labcorp Genetics (formerly Invitae), Labcorp).